The following is an entry in ClinVar:

NM_001350451.2(RBFOX3):c.361-8_361-3del

Gene: RBFOX3 (RNA binding fox-1 homolog 3; minus strand). Cytogenetic location: 17q25.3.
Variant type: Deletion.
Coding change: c.361-8_361-3del on transcript NM_001350451.2 (MANE Select); 8 bases into the intron before coding-DNA position 361 through 3 bases into the intron before coding-DNA position 361, 6 bases deleted (CTCTGC; older notation c.361-8_361-3delCTCTGC).
Molecular consequence: intron variant.
Genome position (GRCh38, 1-based): chr17:79,104,129-79,104,134, GCAGAG deleted on the plus strand (CTCTGC on the coding strand, the reverse complement: RBFOX3 is on the minus strand). VCF-style (leftmost placement, unchanged base first): chr17-79104128-TGCAGAG-T. GRCh37 (hg19) VCF-style: chr17-77100210-TGCAGAG-T.
Other names: c.361-8_361-3del (NM_001385807.1, NM_001385838.1, NM_001385842.1 and 35 more transcripts); c.358-8_358-3del (NM_001385846.1, NM_001385822.1, NM_001385845.1 and 4 more transcripts); c.361-2490_361-2485del (NM_001385847.1).
Identifiers: ClinVar variation 2890077 (VCV002890077.3), dbSNP rs757166078, ClinGen allele CA8810306.

ClinVar aggregate classification (germline): Uncertain significance (1 of 4 stars; one submission).

Conditions:
Idiopathic generalized epilepsy. Also called: Generalised epilepsy; EIG. Identifiers: MedGen C0270850, MONDO:0005579, OMIM 600669.

Allele frequency attached by ClinVar (database versions not stated): gnomAD 0.00001; TOPMed 0.00001; gnomAD exomes 0.00004; ExAC 0.00005.

Submission:

Labcorp Genetics (formerly Invitae), Labcorp
Classification: Uncertain significance for Idiopathic generalized epilepsy. Last evaluated: 2023-12-14. Review status: criteria provided, single submitter. Criteria: Invitae Variant Classification Sherloc (09022015). Collection method: clinical testing. Allele origin: germline.
Comment: This sequence change falls in intron 6 of the RBFOX3 gene. It does not directly change the encoded amino acid sequence of the RBFOX3 protein. It affects a nucleotide within the consensus splice site. This variant is present in population databases (rs757166078, gnomAD 0.002%). This variant has not been reported in the literature in individuals affected with RBFOX3-related conditions. Variants that disrupt the consensus splice site are a relatively common cause of aberrant splicing (PMID: 17576681, 9536098). Algorithms developed to predict the effect of sequence changes on RNA splicing suggest that this variant may disrupt the consensus splice site. In summary, the available evidence is currently insufficient to determine the role of this variant in disease. Therefore, it has been classified as a Variant of Uncertain Significance.

Literature cited by the submitters: PubMed 17576681; PubMed 9536098.